The following is an entry in ClinVar:

NM_000548.5(TSC2):c.1306C>A (p.Pro436Thr)

Gene: TSC2 (TSC complex subunit 2; plus strand). Cytogenetic location: 16p13.3.
Variant type: single nucleotide variant.
Coding change: c.1306C>A on transcript NM_000548.5 (MANE Select); coding-DNA position 1306, C replaced by A.
Protein change: p.Pro436Thr; replaces proline 436 with threonine.
Molecular consequence: missense variant.
Genome position (GRCh38, 1-based): chr16:2,062,545, C>A. VCF-style: chr16-2062545-C-A. GRCh37 (hg19) VCF-style: chr16-2112546-C-A.
Other names: c.1306C>A, p.Pro436Thr (NM_001077183.3, NM_001114382.3, NM_001363528.2 and 3 more transcripts); c.1195C>A, p.Pro399Thr (NM_001318827.2); c.1159C>A, p.Pro387Thr (NM_001318829.2); c.706C>A, p.Pro236Thr (NM_001318831.2); c.1339C>A, p.Pro447Thr (NM_001318832.2); short protein forms P436T, P447T, P387T, P399T, P236T.
Identifiers: ClinVar variation 818862 (VCV000818862.7), dbSNP rs1489429320, ClinGen allele CA394322199.

ClinVar aggregate classification (germline): Uncertain significance. Review status: criteria provided, multiple submitters, no conflicts (2 of 4 stars). 2 submissions from 2 submitters: Uncertain significance (2). Last evaluated 2025-09-27.

Conditions:
Hereditary cancer-predisposing syndrome. Also called: Hereditary Cancer Syndrome; Neoplastic Syndromes, Hereditary; Hereditary neoplastic syndrome; Tumor predisposition. Identifiers: Orphanet 140162, MedGen C0027672, MeSH D009386, MONDO:0015356.
Tuberous sclerosis 2 (TSC2). Identifiers: Orphanet 805, MedGen C1860707, MONDO:0013199, OMIM 613254.

Submissions (2):

Labcorp Genetics (formerly Invitae), Labcorp
Classification: Uncertain significance for Tuberous sclerosis 2. Last evaluated: 2025-09-27. Review status: criteria provided, single submitter. Criteria: Invitae Variant Classification Sherloc (09022015). Collection method: clinical testing. Allele origin: germline.
Comment: This sequence change replaces proline, which is neutral and non-polar, with threonine, which is neutral and polar, at codon 436 of the TSC2 protein (p.Pro436Thr). This variant is not present in population databases (gnomAD no frequency). This variant has not been reported in the literature in individuals affected with TSC2-related conditions. ClinVar contains an entry for this variant (Variation ID: 818862). Invitae Evidence Modeling of protein sequence and biophysical properties (such as structural, functional, and spatial information, amino acid conservation, physicochemical variation, residue mobility, and thermodynamic stability) indicates that this missense variant is not expected to disrupt TSC2 protein function with a negative predictive value of 95%. In summary, the available evidence is currently insufficient to determine the role of this variant in disease. Therefore, it has been classified as a Variant of Uncertain Significance.

Ambry Genetics
Classification: Uncertain significance for Hereditary cancer-predisposing syndrome. Last evaluated: 2019-03-12. Review status: criteria provided, single submitter. Criteria: Ambry Variant Classification Scheme 2023. Collection method: clinical testing. Allele origin: germline.
Comment: The p.P436T variant (also known as c.1306C>A), located in coding exon 12 of the TSC2 gene, results from a C to A substitution at nucleotide position 1306. The proline at codon 436 is replaced by threonine, an amino acid with highly similar properties. This amino acid position is highly conserved in available vertebrate species. In addition, this alteration is predicted to be deleterious by in silico analysis. Since supporting evidence is limited at this time, the clinical significance of this alteration remains unclear.